The following is an entry in ClinVar:

ClinVar aggregate classification (germline): Pathogenic (1 of 4 stars; one submission).

Conditions:
Familial cancer of breast. Also called: hereditary breast carcinoma; BREAST CANCER, FAMILIAL; Hereditary breast cancer. Identifiers: Orphanet 227535, MedGen C0346153, MONDO:0016419, OMIM 114480. Disease mechanism: loss of function.

Submission:

Myriad Genetics, Inc.
Classification: Pathogenic for Familial cancer of breast. Last evaluated: 2024-07-02. Review status: criteria provided, single submitter. Criteria: Myriad Autosomal Dominant, Autosomal Recessive and X-Linked Classification Criteria (2023). Collection method: clinical testing. Allele origin: unknown.
Comment: This variant is considered pathogenic. This variant creates a frameshift predicted to result in premature protein truncation.

NM_000051.4(ATM):c.7916_7917insCT (p.Lys2639fs)

Genes: ATM (ATM serine/threonine kinase; plus strand), C11orf65 (chromosome 11 open reading frame 65; minus strand). Cytogenetic location: 11q22.3.
Variant type: Insertion.
Coding change: c.7916_7917insCT on transcript NM_000051.4 (MANE Select); coding-DNA positions 7916 to 7917, CT inserted.
Protein change: p.Lys2639fs; shifts the reading frame from lysine 2639.
Molecular consequence: frameshift variant. On other transcripts: intron variant (2).
Genome position: GRCh38 VCF-style: chr11-108332889-A-ACT. GRCh37 (hg19) VCF-style: chr11-108203616-A-ACT.
Other names: c.7916_7917insCT, p.Lys2639fs (NM_001351834.2); c.641-23819_641-23818insAG (NM_001330368.2); c.*38+2330_*38+2331insAG (NM_001351110.2); short protein forms K2639fs.
Identifiers: ClinVar variation 3379232 (VCV003379232.1).